The following is an entry in ClinVar:

ClinVar aggregate classification (germline): Uncertain significance. Review status: criteria provided, multiple submitters, no conflicts (2 of 4 stars). 5 submissions from 5 submitters: Uncertain significance (4). 1 of the submissions does not count toward it. Last evaluated 2025-08-29.

Conditions:
Inborn genetic diseases. Identifiers: MedGen C0950123, MeSH D030342.
Fanconi anemia complementation group A (FANCA). Also called: Fanconi anemia, group A; FANCA-Related Fanconi Anemia. Identifiers: Orphanet 84, MedGen C3469521, MONDO:0009215, OMIM 227650.
Fanconi anemia (FA). Also called: Fanconi's anemia. Identifiers: Orphanet 84, MedGen C0015625, MeSH D005199, MONDO:0019391.

Allele frequency attached by ClinVar (database versions not stated): TOPMed below 0.00001; gnomAD 0.00001.
gnomAD v4.1: 11 of 1,511,952 alleles (0.00073%); highest among the groups gnomAD compares: African/African-American, 0.0014%; no homozygotes.

Submissions (5):

Ambry Genetics
Classification: Uncertain significance for Inborn genetic diseases. Last evaluated: 2025-08-29. Review status: criteria provided, single submitter. Criteria: Ambry Variant Classification Scheme 2023. Collection method: clinical testing. Allele origin: germline.

Labcorp Genetics (formerly Invitae), Labcorp
Classification: Uncertain significance for Fanconi anemia. Last evaluated: 2024-06-11. Review status: criteria provided, single submitter. Criteria: Invitae Variant Classification Sherloc (09022015). Collection method: clinical testing. Allele origin: germline.
Comment: This sequence change replaces arginine, which is basic and polar, with tryptophan, which is neutral and slightly polar, at codon 19 of the FANCA protein (p.Arg19Trp). The frequency data for this variant in the population databases is considered unreliable, as metrics indicate poor data quality at this position in the gnomAD database. This variant has not been reported in the literature in individuals affected with FANCA-related conditions. ClinVar contains an entry for this variant (Variation ID: 1003089). Advanced modeling of protein sequence and biophysical properties (such as structural, functional, and spatial information, amino acid conservation, physicochemical variation, residue mobility, and thermodynamic stability) has been performed at Invitae for this missense variant, however the output from this modeling did not meet the statistical confidence thresholds required to predict the impact of this variant on FANCA protein function. In summary, the available evidence is currently insufficient to determine the role of this variant in disease. Therefore, it has been classified as a Variant of Uncertain Significance.

Fulgent Genetics
Classification: Uncertain significance for Fanconi anemia complementation group A. Last evaluated: 2022-03-25. Review status: criteria provided, single submitter. Criteria: ACMG Guidelines, 2015. Collection method: clinical testing. Allele origin: unknown.

Institute for Clinical Genetics, University Hospital TU Dresden, University Hospital TU Dresden
Classification: Uncertain significance. Last evaluated: 2021-11-03. Review status: criteria provided, single submitter. Criteria: ACMG Guidelines, 2015. Collection method: clinical testing. Allele origin: germline.

Natera, Inc.
Classification: Uncertain significance for Fanconi anemia. Last evaluated: 2020-03-20. Review status: no assertion criteria provided. Collection method: clinical testing. Allele origin: germline. Not counted in ClinVar's aggregate classification.

NM_000135.4(FANCA):c.55C>T (p.Arg19Trp)

Genes: FANCA (FA complementation group A; minus strand), LOC112486223 (Sharpr-MPRA regulatory region 3988; plus strand). Cytogenetic location: 16q24.3.
Variant type: single nucleotide variant.
Coding change: c.55C>T on transcript NM_000135.4 (MANE Select); coding-DNA position 55, C replaced by T.
Protein change: p.Arg19Trp; replaces arginine 19 with tryptophan.
Molecular consequence: missense variant.
Genome position (GRCh38, 1-based): chr16:89,816,561, G>A on the plus strand (C>T on the coding strand, the complement: FANCA is on the minus strand). VCF-style: chr16-89816561-G-A. GRCh37 (hg19) VCF-style: chr16-89882969-G-A.
Other names: c.55C>T, p.Arg19Trp (NM_001018112.3, NM_001286167.3, NM_001351830.2); short protein forms R19W.
Identifiers: ClinVar variation 1003089 (VCV001003089.16), dbSNP rs1300733063, ClinGen allele CA397484465.